The following is an entry in ClinVar:

ClinVar aggregate classification (germline): Uncertain significance (1 of 4 stars; one submission).

Conditions:
Charcot-Marie-Tooth disease type 2E (CMT2E). Also called: CHARCOT-MARIE-TOOTH DISEASE, AXONAL, TYPE 2E; CHARCOT-MARIE-TOOTH NEUROPATHY, TYPE 2E. Identifiers: Orphanet 99939, MedGen C1843225, MONDO:0011894, OMIM 607684.

Allele frequency attached by ClinVar (database versions not stated): gnomAD exomes below 0.00001; TOPMed below 0.00001; ExAC 0.00001.
gnomAD v4.1: 2 of 1,605,058 alleles (0.00012%); highest among the groups gnomAD compares: Non-Finnish European, 0.00017%; no homozygotes.

Submission:

Labcorp Genetics (formerly Invitae), Labcorp
Classification: Uncertain significance for Charcot-Marie-Tooth disease type 2E. Last evaluated: 2018-03-24. Review status: criteria provided, single submitter. Criteria: Invitae Variant Classification Sherloc (09022015). Collection method: clinical testing. Allele origin: germline.
Comment: In summary, the available evidence is currently insufficient to determine the role of this variant in disease. Therefore, it has been classified as a Variant of Uncertain Significance. Algorithms developed to predict the effect of missense changes on protein structure and function (SIFT, PolyPhen-2, Align-GVGD) all suggest that this variant is likely to be disruptive, but these predictions have not been confirmed by published functional studies and their clinical significance is uncertain. This variant has not been reported in the literature in individuals with NEFL-related disease. This variant is present in population databases (rs753319598, ExAC 0.002%). This sequence change replaces alanine with valine at codon 203 of the NEFL protein (p.Ala203Val). The alanine residue is highlyconserved and there is a small physicochemical difference between alanine and valine.

NM_006158.5(NEFL):c.608C>T (p.Ala203Val)

Gene: NEFL (neurofilament light chain; minus strand). Cytogenetic location: 8p21.2.
Variant type: single nucleotide variant.
Coding change: c.608C>T on transcript NM_006158.5 (MANE Select); coding-DNA position 608, C replaced by T.
Protein change: p.Ala203Val; replaces alanine 203 with valine.
Molecular consequence: missense variant.
Genome position (GRCh38, 1-based): chr8:24,955,908, G>A on the plus strand (C>T on the coding strand, the complement: NEFL is on the minus strand). VCF-style: chr8-24955908-G-A. GRCh37 (hg19) VCF-style: chr8-24813422-G-A.
Other names: short protein forms A203V.
Identifiers: ClinVar variation 567028 (VCV000567028.4), dbSNP rs753319598, ClinGen allele CA4681469.
Genomic context (GRCh38, chr8:24,955,908, plus strand): 5'-AGAAAAGAGATTTCGTCCATCAAGCTGTCGATGCGCTTCTCGAGCTCGGCGCGAGCGAGC[G>A]CCGCCTCGTCGGCGCCTTTGCGCGCTTCCATCAGCCGGCCCTCGGCGTCCTCGCGGCTCA-3'
Protein context (NP_006149.2, residues 193-213): MEARKGADEA[Ala203Val]LARAELEKRI